The following is an entry in ClinVar:

NM_001387430.1(SH2B1):c.235G>C (p.Glu79Gln)

Gene: SH2B1 (SH2B adaptor protein 1; plus strand). Cytogenetic location: 16p11.2.
Variant type: single nucleotide variant.
Coding change: c.235G>C on transcript NM_001387430.1 (MANE Select); coding-DNA position 235, G replaced by C.
Protein change: p.Glu79Gln; replaces glutamic acid 79 with glutamine.
Molecular consequence: missense variant. On other transcripts: intron variant (1).
Genome position (GRCh38, 1-based): chr16:28,866,329, G>C. VCF-style: chr16-28866329-G-C. GRCh37 (hg19) VCF-style: chr16-28877650-G-C.
Other names: c.235G>C, p.Glu79Gln (NM_001145795.2, NM_001145796.2, NM_001145797.2 and 4 more transcripts); c.-26-1045G>C (NM_001308294.2); short protein forms E79Q.
Identifiers: ClinVar variation 4995518 (VCV004995518.1).

ClinVar aggregate classification (germline): Uncertain significance (1 of 4 stars; one submission).

Conditions:
SH2B1-related disorder. Also called: SH2B1-related condition.

Submission:

PreventionGenetics, part of Exact Sciences
Classification: Uncertain significance for SH2B1-related condition. Last evaluated: 2026-09-25. Review status: criteria provided, single submitter. Criteria: ACMG Guidelines, 2015. Collection method: clinical testing. Allele origin: germline.
Comment: The SH2B1 c.235G>C variant is predicted to result in the amino acid substitution p.Glu79Gln. To our knowledge, this variant has not been reported in the literature. This variant is reported in 0.0066% of alleles in individuals of South Asian descent in gnomAD. At this time, the clinical significance of this variant is uncertain due to the absence of conclusive functional and genetic evidence.